The following is an entry in ClinVar:

ClinVar aggregate classification (germline): Uncertain significance (1 of 4 stars; one submission).

Conditions:
Familial cancer of breast. Also called: hereditary breast carcinoma; BREAST CANCER, FAMILIAL; Hereditary breast cancer. Identifiers: Orphanet 227535, MedGen C0346153, MONDO:0016419, OMIM 114480. Disease mechanism: loss of function.

Submission:

Labcorp Genetics (formerly Invitae), Labcorp
Classification: Uncertain significance for Familial cancer of breast. Last evaluated: 2024-06-16. Review status: criteria provided, single submitter. Criteria: Invitae Variant Classification Sherloc (09022015). Collection method: clinical testing. Allele origin: germline.
Comment: This sequence change replaces alanine, which is neutral and non-polar, with phenylalanine, which is neutral and non-polar, at codon 39 of the BARD1 protein (p.Ala39Phe). Information on the frequency of this variant in the gnomAD database is not available, as this variant may be reported differently in the database. This variant has not been reported in the literature in individuals affected with BARD1-related conditions. An algorithm developed to predict the effect of missense changes on protein structure and function (PolyPhen-2) suggests that this variant is likely to be disruptive. In summary, the available evidence is currently insufficient to determine the role of this variant in disease. Therefore, it has been classified as a Variant of Uncertain Significance.

NM_000465.4(BARD1):c.115_116delinsTT (p.Ala39Phe)

Gene: BARD1 (BRCA1 associated RING domain 1; minus strand). Cytogenetic location: 2q35.
Variant type: Indel.
Coding change: c.115_116delinsTT on transcript NM_000465.4 (MANE Select); coding-DNA positions 115 to 116, GC replaced by TT.
Protein change: p.Ala39Phe; replaces alanine 39 with phenylalanine.
Molecular consequence: missense variant. On other transcripts: non-coding transcript variant (3).
Genome position (GRCh38, 1-based): chr2:214,809,454-214,809,455, GC replaced by AA on the plus strand (GC replaced by TT on the coding strand, the reverse complement: BARD1 is on the minus strand). VCF-style: chr2-214809454-GC-AA. GRCh37 (hg19) VCF-style: chr2-215674178-GC-AA.
Other names: c.115_116delinsTT, p.Ala39Phe (NM_001282543.2, NM_001282545.2, NM_001282548.2 and 1 more transcripts); short protein forms A39F.
Identifiers: ClinVar variation 3656753 (VCV003656753.2).